The following is an entry in ClinVar:

NM_005732.4(RAD50):c.2707A>G (p.Arg903Gly)

Gene: RAD50 (RAD50 double strand break repair protein; plus strand). Cytogenetic location: 5q31.1.
Variant type: single nucleotide variant.
Coding change: c.2707A>G on transcript NM_005732.4 (MANE Select); coding-DNA position 2707, A replaced by G.
Protein change: p.Arg903Gly; replaces arginine 903 with glycine.
Molecular consequence: missense variant.
Genome position (GRCh38, 1-based): chr5:132,604,988, A>G. VCF-style: chr5-132604988-A-G. GRCh37 (hg19) VCF-style: chr5-131940680-A-G.
Other names: short protein forms R903G.
Identifiers: ClinVar variation 821640 (VCV000821640.4), dbSNP rs767107242, ClinGen allele CA127258775.
Genomic context (GRCh38, chr5:132,604,988, plus strand): 5'-CGTCGTCAGCAACTGGAGGAGCAGACTGTGGAATTATCCACTGAAGTTCAGTCTTTGTAC[A>G]GAGAGATAAAGGTAAGAATATCCATACATGTTTTTTGTAAAATTATTTTAATTATTTATT-3'
Protein context (NP_005723.2, residues 893-913): ELSTEVQSLY[Arg903Gly]EIKDAKEQVS

ClinVar aggregate classification (germline): Uncertain significance (1 of 4 stars; one submission).

Conditions:
Hereditary cancer-predisposing syndrome. Also called: Tumor predisposition; Hereditary Cancer Syndrome; Neoplastic Syndromes, Hereditary; Hereditary neoplastic syndrome. Identifiers: Orphanet 140162, MedGen C0027672, MeSH D009386, MONDO:0015356.

Submission:

Ambry Genetics
Classification: Uncertain significance for Hereditary cancer-predisposing syndrome. Last evaluated: 2019-06-13. Review status: criteria provided, single submitter. Criteria: Ambry Variant Classification Scheme 2023. Collection method: clinical testing. Allele origin: germline.
Comment: The p.R903G variant (also known as c.2707A>G), located in coding exon 16 of the RAD50 gene, results from an A to G substitution at nucleotide position 2707. The arginine at codon 903 is replaced by glycine, an amino acid with dissimilar properties. This amino acid position is highly conserved in available vertebrate species. In addition, the in silico prediction by BayesDel for this alteration is inconclusive. Since supporting evidence is limited at this time, the clinical significance of this alteration remains unclear.